The following is an entry in ClinVar:

ClinVar aggregate classification (germline): Uncertain significance (1 of 4 stars; one submission).

gnomAD v4.1: 5 of 1,609,870 alleles (0.00031%); highest among the groups gnomAD compares: Non-Finnish European, 0.00042%; no homozygotes.

Submission:

Labcorp Genetics (formerly Invitae), Labcorp
Classification: Uncertain significance. Last evaluated: 2025-01-01. Review status: criteria provided, single submitter. Criteria: Invitae Variant Classification Sherloc (09022015). Collection method: clinical testing. Allele origin: germline.
Comment: This sequence change replaces leucine, which is neutral and non-polar, with valine, which is neutral and non-polar, at codon 647 of the SRCAP protein (p.Leu647Val). This variant is present in population databases (no rsID available, gnomAD 0.007%). This variant has not been reported in the literature in individuals affected with SRCAP-related conditions. Invitae Evidence Modeling of protein sequence and biophysical properties (such as structural, functional, and spatial information, amino acid conservation, physicochemical variation, residue mobility, and thermodynamic stability) indicates that this missense variant is expected to disrupt SRCAP protein function with a positive predictive value of 80%. In summary, the available evidence is currently insufficient to determine the role of this variant in disease. Therefore, it has been classified as a Variant of Uncertain Significance.

NM_006662.3(SRCAP):c.1939C>G (p.Leu647Val)

Gene: SRCAP (Snf2 related CREBBP activator protein; plus strand). Cytogenetic location: 16p11.2.
Variant type: single nucleotide variant.
Coding change: c.1939C>G on transcript NM_006662.3 (MANE Select); coding-DNA position 1939, C replaced by G.
Protein change: p.Leu647Val; replaces leucine 647 with valine.
Molecular consequence: missense variant.
Genome position (GRCh38, 1-based): chr16:30,712,385, C>G. VCF-style: chr16-30712385-C-G. GRCh37 (hg19) VCF-style: chr16-30723706-C-G.
Other names: short protein forms L647V.
Identifiers: ClinVar variation 3625499 (VCV003625499.2).